The following is an entry in ClinVar:

NM_005901.6(SMAD2):c.769G>A (p.Val257Ile)

Gene: SMAD2 (SMAD family member 2; minus strand). Cytogenetic location: 18q21.1.
Variant type: single nucleotide variant.
Coding change: c.769G>A on transcript NM_005901.6 (MANE Select); coding-DNA position 769, G replaced by A.
Protein change: p.Val257Ile; replaces valine 257 with isoleucine.
Molecular consequence: missense variant.
Genome position (GRCh38, 1-based): chr18:47,851,289, C>T on the plus strand (G>A on the coding strand, the complement: SMAD2 is on the minus strand). VCF-style: chr18-47851289-C-T. GRCh37 (hg19) VCF-style: chr18-45377660-C-T.
Other names: c.769G>A, p.Val257Ile (NM_001003652.4); c.679G>A, p.Val227Ile (NM_001135937.3); short protein forms V227I, V257I.
Identifiers: ClinVar variation 4775912 (VCV004775912.1).

ClinVar aggregate classification (germline): Uncertain significance (1 of 4 stars; one submission).

Submission:

Labcorp Genetics (formerly Invitae), Labcorp
Classification: Uncertain significance. Last evaluated: 2025-10-02. Review status: criteria provided, single submitter. Criteria: Invitae Variant Classification Sherloc (09022015). Collection method: clinical testing. Allele origin: germline.
Comment: This sequence change replaces valine, which is neutral and non-polar, with isoleucine, which is neutral and non-polar, at codon 257 of the SMAD2 protein (p.Val257Ile). This variant is present in population databases (rs369079539, gnomAD 0.007%). This variant has not been reported in the literature in individuals affected with SMAD2-related conditions. Invitae Evidence Modeling of protein sequence and biophysical properties (such as structural, functional, and spatial information, amino acid conservation, physicochemical variation, residue mobility, and thermodynamic stability) indicates that this missense variant is not expected to disrupt SMAD2 protein function with a negative predictive value of 80%. In summary, the available evidence is currently insufficient to determine the role of this variant in disease. Therefore, it has been classified as a Variant of Uncertain Significance.